The following is an entry in ClinVar:

NM_007289.4(MME):c.881A>G (p.Asn294Ser)

Gene: MME (membrane metalloendopeptidase; plus strand). Cytogenetic location: 3q25.2.
Variant type: single nucleotide variant.
Coding change: c.881A>G on transcript NM_007289.4 (MANE Select); coding-DNA position 881, A replaced by G.
Protein change: p.Asn294Ser; replaces asparagine 294 with serine.
Molecular consequence: missense variant.
Genome position (GRCh38, 1-based): chr3:155,140,216, A>G. VCF-style: chr3-155140216-A-G. GRCh37 (hg19) VCF-style: chr3-154858005-A-G.
Other names: c.881A>G, p.Asn294Ser (NM_000902.5, NM_001354642.2, NM_001354643.1 and 2 more transcripts); c.881A>G (NM_007289.2); short protein forms N294S.
Identifiers: ClinVar variation 1118432 (VCV001118432.14), dbSNP rs201002280, ClinGen allele CA2675317.

ClinVar aggregate classification (germline): Conflicting classifications of pathogenicity. Review status: criteria provided, conflicting classifications (1 of 4 stars). 5 submissions from 5 submitters: Uncertain significance (4); Likely benign (1). Last evaluated 2025-04-07.

Conditions:
MME-related disorder. Also called: MME-related condition.
Inborn genetic diseases. Identifiers: MedGen C0950123, MeSH D030342.
Charcot-Marie-Tooth disease axonal type 2T. Identifiers: Orphanet 443950, MedGen C4015635, OMIM 617017, MONDO:0014866.
Spinocerebellar ataxia 43 (SCA43). Identifiers: Orphanet 497764, MedGen C4310763, MONDO:0014867, OMIM 617018.

Allele frequency attached by ClinVar (database versions not stated): gnomAD 0.00001 and 0.00002; TOPMed 0.00002; gnomAD exomes 0.00003 and 0.00006; ExAC 0.00008; 1000 Genomes Project 30x 0.00016; 1000 Genomes Project 0.00020.
gnomAD v4.1: 54 of 1,612,252 alleles (0.0033%); highest among the groups gnomAD compares: Middle Eastern, 0.083%; no homozygotes.

Submissions (5):

Labcorp Genetics (formerly Invitae), Labcorp
Classification: Likely benign. Last evaluated: 2025-04-07. Review status: criteria provided, single submitter. Criteria: Invitae Variant Classification Sherloc (09022015). Collection method: clinical testing. Allele origin: germline.

PreventionGenetics, part of Exact Sciences
Classification: Uncertain significance for MME-related condition. Last evaluated: 2025-03-10. Review status: criteria provided, single submitter. Criteria: ACMG Guidelines, 2015. Collection method: clinical testing. Allele origin: germline.
Comment: The MME c.881A>G variant is predicted to result in the amino acid substitution p.Asn294Ser. To our knowledge, this variant has not been reported in the literature. This variant is reported in 0.026% of alleles in individuals of South Asian descent in gnomAD. At this time, the clinical significance of this variant is uncertain due to the absence of conclusive functional and genetic evidence.

Ambry Genetics
Classification: Uncertain significance for Inborn genetic diseases. Last evaluated: 2024-09-03. Review status: criteria provided, single submitter. Criteria: Ambry Variant Classification Scheme 2023. Collection method: clinical testing. Allele origin: germline.

Department of Pathology and Laboratory Medicine, Sinai Health System
Classification: Uncertain significance for Charcot-Marie-Tooth disease axonal type 2T; Spinocerebellar ataxia 43. Last evaluated: 2022-08-18. Review status: criteria provided, single submitter. Criteria: ACMG Guidelines, 2015. Collection method: research. Allele origin: germline.

Blueprint Genetics
Classification: Uncertain significance. Last evaluated: 2020-05-18. Review status: criteria provided, single submitter. Criteria: ACMG Guidelines, 2015. Collection method: clinical testing. Allele origin: germline.